The following is an entry in ClinVar:

GRCh37/hg19 18p11.32-11.23(chr18:136227-7218594)x1

Genes: ADCYAP1 (adenylate cyclase activating polypeptide 1; plus strand), AKAIN1 (A-kinase anchor inhibitor 1; minus strand), ARHGAP28 (Rho GTPase activating protein 28; plus strand), CETN1 (centrin 1; plus strand), CLUL1 (clusterin like 1; plus strand) and 23 more. Cytogenetic location: 18p11.32-11.23.
Variant type: copy number loss.
Change: copy number 1 (one copy instead of two) of chr18:136,227-7,218,594 (7.08 Mb, GRCh37 coordinates, 1-based), cytogenetic band 18p11.32-11.23.
Identifiers: ClinVar variation 1807830 (VCV001807830.1).

ClinVar aggregate classification (germline): Pathogenic (1 of 4 stars; one submission).

Submission:

Quest Diagnostics Nichols Institute San Juan Capistrano
Classification: Pathogenic. Last evaluated: 2021-12-13. Review status: criteria provided, single submitter. Criteria: ACMG/ClinGen CNV Guidelines, 2019. Collection method: clinical testing. Allele origin: unknown.
Comment: The partial loss of 18p may cause some of the clinical symptoms found in monosomy 18p or chromosome 18p deletion syndrome (OMIM 146390). The main clinical features of monosomy 18p are short stature, round face with short philtrum, palpebral ptosis, and large ears with detached pinnae. Intellectual disability is mild to moderate. A small subset of patients, about 10-15% of cases, present with severe brain/facial malformations evocative of holoprosencephaly spectrum disorders (Turleau et al., Orphanet J Rare Dis. 2008 Feb 19;3:4. doi: 10.1186/1750-1172-3-4. PMID 18284672).